The following is an entry in ClinVar:

NM_003872.3(NRP2):c.180C>T (p.Tyr60=)

Gene: NRP2 (neuropilin 2; plus strand). Cytogenetic location: 2q33.3.
Variant type: single nucleotide variant.
Coding change: c.180C>T on transcript NM_003872.3 (MANE Select); coding-DNA position 180, C replaced by T.
Protein change: p.Tyr60=; no amino-acid change (tyrosine 60 retained).
Molecular consequence: synonymous variant.
Genome position (GRCh38, 1-based): chr2:205,697,650, C>T. VCF-style: chr2-205697650-C-T. GRCh37 (hg19) VCF-style: chr2-206562374-C-T.
Other names: c.180C>T, p.Tyr60= (NM_018534.4, NM_201264.2, NM_201266.2 and 2 more transcripts).
Identifiers: ClinVar variation 791470 (VCV000791470.6), dbSNP rs183290527, ClinGen allele CA2068706.

ClinVar aggregate classification (germline): Likely benign. Review status: criteria provided, single submitter (1 of 4 stars). 2 submissions from 2 submitters: Likely benign (1). 1 of the submissions does not count toward it. Last evaluated 2019-12-31.

Conditions:
NRP2-related disorder. Also called: NRP2-related condition.

Allele frequency attached by ClinVar (database versions not stated): gnomAD 0.00001 and 0.00002; TOPMed 0.00002; gnomAD exomes 0.00004; ExAC 0.00005; 1000 Genomes Project 30x 0.00016; 1000 Genomes Project 0.00020.
gnomAD v4.1: 70 of 1,613,986 alleles (0.0043%); highest among the groups gnomAD compares: East Asian, 0.02%; no homozygotes.

Submissions (2):

Labcorp Genetics (formerly Invitae), Labcorp
Classification: Likely benign. Last evaluated: 2019-12-31. Review status: criteria provided, single submitter. Criteria: Invitae Variant Classification Sherloc (09022015). Collection method: clinical testing. Allele origin: germline.

PreventionGenetics, part of Exact Sciences
Classification: Likely benign for NRP2-related condition. Last evaluated: 2023-06-16. Review status: no assertion criteria provided. Collection method: clinical testing. Allele origin: germline. Not counted in ClinVar's aggregate classification.
Comment: This variant is classified as likely benign based on ACMG/AMP sequence variant interpretation guidelines (Richards et al. 2015 PMID: 25741868, with internal and published modifications).